The following is an entry in ClinVar:

ClinVar aggregate classification (germline): Likely benign (0 of 4 stars; one submission).

Conditions:
SEMA3D-related disorder. Also called: SEMA3D-related condition.

Allele frequency attached by ClinVar (database versions not stated): gnomAD 0.00001; TOPMed 0.00002; ExAC 0.00006; ESP Exome Variant Server 0.00008.
gnomAD v4.1: 43 of 1,609,280 alleles (0.0027%); highest among the groups gnomAD compares: Non-Finnish European, 0.0034%; no homozygotes.

Submission:

PreventionGenetics, part of Exact Sciences
Classification: Likely benign for SEMA3D-related condition. Last evaluated: 2022-05-04. Review status: no assertion criteria provided. Collection method: clinical testing. Allele origin: germline.
Comment: This variant is classified as likely benign based on ACMG/AMP sequence variant interpretation guidelines (Richards et al. 2015 PMID: 25741868, with internal and published modifications).

NM_001384900.1(SEMA3D):c.1431C>G (p.Leu477=)

Gene: SEMA3D (semaphorin 3D; minus strand). Cytogenetic location: 7q21.11.
Variant type: single nucleotide variant.
Coding change: c.1431C>G on transcript NM_001384900.1 (MANE Select); coding-DNA position 1431, C replaced by G.
Protein change: p.Leu477=; no amino-acid change (leucine 477 retained).
Molecular consequence: synonymous variant.
Genome position (GRCh38, 1-based): chr7:85,020,305, G>C on the plus strand (C>G on the coding strand, the complement: SEMA3D is on the minus strand). VCF-style: chr7-85020305-G-C. GRCh37 (hg19) VCF-style: chr7-84649621-G-C.
Other names: c.1431C>G, p.Leu477= (NM_001384901.1, NM_001384902.1, NM_001384903.1 and 1 more transcripts).
Identifiers: ClinVar variation 3032405 (VCV003032405.2), dbSNP rs372631793, ClinGen allele CA4323429.